The following is an entry in ClinVar:

ClinVar aggregate classification (germline): Uncertain significance (1 of 4 stars; one submission).

Conditions:
Aortic aneurysm, familial thoracic 4 (AAT4). Also called: AORTIC ANEURYSM/AORTIC DISSECTION AND PATENT DUCTUS ARTERIOSUS. Identifiers: MedGen C1851504, MONDO:0007568, OMIM 132900.

Submission:

Labcorp Genetics (formerly Invitae), Labcorp
Classification: Uncertain significance for Aortic aneurysm, familial thoracic 4. Last evaluated: 2024-12-14. Review status: criteria provided, single submitter. Criteria: Invitae Variant Classification Sherloc (09022015). Collection method: clinical testing. Allele origin: germline.
Comment: This sequence change falls in intron 13 of the MYH11 gene. It does not directly change the encoded amino acid sequence of the MYH11 protein. This variant is not present in population databases (gnomAD no frequency). This variant has not been reported in the literature in individuals affected with MYH11-related conditions. Experimental studies and prediction algorithms are not available or were not evaluated, and the effect of this variant on mRNA splicing is currently unknown. In summary, the available evidence is currently insufficient to determine the role of this variant in disease. Therefore, it has been classified as a Variant of Uncertain Significance.

NM_002474.3(MYH11):c.1393_1401+11dup

Gene: MYH11 (myosin heavy chain 11; minus strand). Cytogenetic location: 16p13.11.
Variant type: Duplication.
Coding change: c.1393_1401+11dup on transcript NM_002474.3 (MANE Select); coding-DNA position 1393 through 11 bases into the intron after coding-DNA position 1401, 20 bases duplicated (ATCTTTGAGGTACAGCTCGG).
Molecular consequence: splice donor variant.
Genome position (GRCh38, 1-based): chr16:15,759,565-15,759,584, CCGAGCTGTACCTCAAAGAT duplicated on the plus strand (ATCTTTGAGGTACAGCTCGG on the coding strand, the reverse complement: MYH11 is on the minus strand); duplicating any 20 consecutive bases within chr16:15,759,565-15,759,585 gives the same sequence; the c. name uses the placement nearest the transcript's 3' end. VCF-style (leftmost placement, unchanged base first): chr16-15759564-A-ACCGAGCTGTACCTCAAAGAT. GRCh37 (hg19) VCF-style: chr16-15853421-A-ACCGAGCTGTACCTCAAAGAT.
Other names: c.1393_1401+11dup (NM_022844.3); c.1414_1422+11dup (NM_001040114.2, NM_001040113.2).
Identifiers: ClinVar variation 3696570 (VCV003696570.2).